The following is an entry in ClinVar:

ClinVar aggregate classification (germline): Uncertain significance. Review status: criteria provided, multiple submitters, no conflicts (2 of 4 stars). 2 submissions from 2 submitters: Uncertain significance (2). Last evaluated 2025-11-11.

Allele frequency attached by ClinVar (database versions not stated): ESP Exome Variant Server 0.00039; 1000 Genomes Project 0.00060; 1000 Genomes Project 30x 0.00078.
gnomAD v4.1: 884 of 1,613,492 alleles (0.055%); highest among the groups gnomAD compares: Admixed American, 0.13%; no homozygotes.

Submissions (2):

Dasa
Classification: Uncertain significance. Last evaluated: 2025-11-11. Review status: criteria provided, single submitter. Criteria: DASA Assertion Criteria. Collection method: clinical testing. Allele origin: germline.
Comment: NM_002458.3(MUC5B):c.13916C>T (p.Pro4639Leu) is a missense variant that results in the substitution of proline with leucine. This variant is rare in population databases. Computational prediction algorithms are consistent with a benign effect. The currently available literature and clinical evidence are not sufficient to establish a definitive association between this variant and the reported condition. Therefore, this variant is classified as a variant of uncertain significance.

Ambry Genetics
Classification: Uncertain significance. Last evaluated: 2024-10-03. Review status: criteria provided, single submitter. Criteria: Ambry Variant Classification Scheme 2023. Collection method: clinical testing. Allele origin: germline.

NM_002458.3(MUC5B):c.13916C>T (p.Pro4639Leu)

Gene: MUC5B (mucin 5B, oligomeric mucus/gel-forming; plus strand). Cytogenetic location: 11p15.5.
Variant type: single nucleotide variant.
Coding change: c.13916C>T on transcript NM_002458.3 (MANE Select); coding-DNA position 13916, C replaced by T.
Protein change: p.Pro4639Leu; replaces proline 4639 with leucine.
Molecular consequence: missense variant.
Genome position (GRCh38, 1-based): chr11:1,250,796, C>T. VCF-style: chr11-1250796-C-T. GRCh37 (hg19) VCF-style: chr11-1272026-C-T.
Other names: short protein forms P4639L.
Identifiers: ClinVar variation 2215465 (VCV002215465.5), dbSNP rs373043651, ClinGen allele CA5808476.